The following is an entry in ClinVar:

NM_000350.3(ABCA4):c.5753A>T (p.Asp1918Val)

Gene: ABCA4 (ATP binding cassette subfamily A member 4; minus strand). Cytogenetic location: 1p22.1.
Variant type: single nucleotide variant.
Coding change: c.5753A>T on transcript NM_000350.3 (MANE Select); coding-DNA position 5753, A replaced by T.
Protein change: p.Asp1918Val; replaces aspartic acid 1918 with valine.
Molecular consequence: missense variant.
Genome position (GRCh38, 1-based): chr1:94,008,833, T>A on the plus strand (A>T on the coding strand, the complement: ABCA4 is on the minus strand). VCF-style: chr1-94008833-T-A. GRCh37 (hg19) VCF-style: chr1-94474389-T-A.
Other names: NM_000350.3(ABCA4):c.5753A>T; p.Asp1918Val; c.5531A>T, p.Asp1844Val (NM_001425324.1); short protein forms D1918V, D1844V.
Identifiers: ClinVar variation 871507 (VCV000871507.44), dbSNP rs1659470705, ClinGen allele CA341280422.

ClinVar aggregate classification (germline): Pathogenic. Review status: reviewed by expert panel (3 of 4 stars). 3 submissions from 3 submitters: Pathogenic (1). 2 of the submissions do not count toward it. Last evaluated 2025-12-05.

Conditions:
ABCA4-related retinopathy. Also called: ABCA4 retinoapthy; ABCA4-related retinoapthy. Identifiers: MedGen CN322612, MONDO:0800406.

Allele frequency attached by ClinVar (database versions not stated): gnomAD exomes below 0.00001.
gnomAD v4.1: 2 of 1,613,676 alleles (0.00012%); highest among the groups gnomAD compares: Non-Finnish European, 0.00017%; no homozygotes.

Submissions (3):

ClinGen ABCA4 Variant Curation Expert Panel, Clingen
Classification: Pathogenic for ABCA4-related retinopathy. Last evaluated: 2025-12-05. Review status: reviewed by expert panel. Criteria: ClinGen ABCA4 ACMG Specifications V1.0.0. Collection method: curation. Allele origin: germline. Inheritance: Autosomal recessive inheritance.
Comment: The c.5732A>T (NM_000350.3) variant in ABCA4 is a missense variant predicted to cause substitution of aspartic acid by valine at amino acid 1918 (p.Asp1918Val). This variant is absent from gnomAD v4.1.0 (PM2_Supporting). The computational predictor REVEL gives a score of 0.836 which is above the threshold of >0.772, evidence that predicts a damaging effect on ABCA4 function (PP3_Moderate). The prevalence of the variant in affected individuals is significantly increased compared with the prevalence in controls. The OR is infinity and the CI is 2.24 to infinity, which is above the ABCA4 VCEP threshold of ≥5, where the CI does not contain 1 (PS4; PMID: 35120629). At least one patient met ABCA4-related retinopathy phenotype criteria (PP4, PMID: 27939946). This variant has been detected in at least four individuals with ABCA4-related retinopathy (PMID: 27939946, 32531858, 38003421). Of those individuals, two were compound heterozygous for the variant and a pathogenic or likely pathogenic variant and one of those were confirmed in trans by parental testing (PMID: 27939946, 32531858; PM3). In summary, this variant meets the criteria to be classified as pathogenic for ABCA4-related retinopathy based on the ACMG/AMP criteria applied, as specified by the ClinGen ABCA4 VCEP (Specification Version v.1.0): PS4, PM3, PP3, PP4_Supporting, PM2_Supporting.

Labcorp Genetics (formerly Invitae), Labcorp
Classification: Pathogenic. Last evaluated: 2023-05-21. Review status: criteria provided, single submitter. Criteria: Invitae Variant Classification Sherloc (09022015). Collection method: clinical testing. Allele origin: germline. Not counted in ClinVar's aggregate classification.
Comment: For these reasons, this variant has been classified as Pathogenic. This variant disrupts the p.Asp1918 amino acid residue in ABCA4. Other variant(s) that disrupt this residue have been determined to be pathogenic (Invitae). This suggests that this residue is clinically significant, and that variants that disrupt this residue are likely to be disease-causing. Advanced modeling of protein sequence and biophysical properties (such as structural, functional, and spatial information, amino acid conservation, physicochemical variation, residue mobility, and thermodynamic stability) performed at Invitae indicates that this missense variant is expected to disrupt ABCA4 protein function. ClinVar contains an entry for this variant (Variation ID: 871507). This missense change has been observed in individual(s) with ABCA4-related conditions (PMID: 27939946; Invitae). This variant is not present in population databases (gnomAD no frequency). This sequence change replaces aspartic acid, which is acidic and polar, with valine, which is neutral and non-polar, at codon 1918 of the ABCA4 protein (p.Asp1918Val).

CeGaT Center for Human Genetics Tuebingen
Classification: Likely pathogenic. Last evaluated: 2022-12-01. Review status: criteria provided, single submitter. Criteria: CeGaT Center For Human Genetics Tuebingen Variant Classification Criteria Version 2. Collection method: clinical testing. Allele origin: germline. Affected: yes. Observed: 2 variant alleles. Not counted in ClinVar's aggregate classification.
Comment: ABCA4: PP4:Strong, PM2, PM3

Literature cited by the submitters: PubMed 27939946 (cited by Labcorp Genetics (formerly Invitae), Labcorp).